The following is an entry in ClinVar:

ClinVar aggregate classification (germline): Uncertain significance (1 of 4 stars; one submission).

Conditions:
Inborn genetic diseases. Identifiers: MedGen C0950123, MeSH D030342.

Allele frequency attached by ClinVar (database versions not stated): gnomAD exomes below 0.00001.
gnomAD v4.1: 8 of 1,614,204 alleles (0.0005%); highest among the groups gnomAD compares: Non-Finnish European, 0.00059%; no homozygotes.

Submission:

Ambry Genetics
Classification: Uncertain significance for Inborn genetic diseases. Last evaluated: 2024-02-12. Review status: criteria provided, single submitter. Criteria: Ambry Variant Classification Scheme 2023. Collection method: clinical testing. Allele origin: germline.
Comment: The p.S613G variant (also known as c.1837A>G), located in coding exon 12 of the EPAS1 gene, results from an A to G substitution at nucleotide position 1837. The serine at codon 613 is replaced by glycine, an amino acid with similar properties. This amino acid position is conserved. In addition, this alteration is predicted to be tolerated by in silico analysis. Since supporting evidence is limited at this time, the clinical significance of this alteration remains unclear.

NM_001430.5(EPAS1):c.1837A>G (p.Ser613Gly)

Gene: EPAS1 (endothelial PAS domain protein 1; plus strand). Cytogenetic location: 2p21.
Variant type: single nucleotide variant.
Coding change: c.1837A>G on transcript NM_001430.5 (MANE Select); coding-DNA position 1837, A replaced by G.
Protein change: p.Ser613Gly; replaces serine 613 with glycine.
Molecular consequence: missense variant.
Genome position (GRCh38, 1-based): chr2:46,380,509, A>G. VCF-style: chr2-46380509-A-G. GRCh37 (hg19) VCF-style: chr2-46607648-A-G.
Other names: short protein forms S613G.
Identifiers: ClinVar variation 1781054 (VCV001781054.2), dbSNP rs1354744185, ClinGen allele CA346704984.
Genomic context (GRCh38, chr2:46,380,509, plus strand): 5'-GAGAGCAAGAAGACAGAGCCCGAGCACCGGCCCATGTCCTCCATCTTCTTTGATGCCGGA[A>G]GCAAAGCATCCCTGCCACCGTGCTGTGGCCAGGCCAGCACCCCTCTCTCTTCCATGGGGG-3'
Protein context (NP_001421.2, residues 603-623): PMSSIFFDAG[Ser613Gly]KASLPPCCGQ